The following is an entry in ClinVar:

ClinVar aggregate classification (germline): Uncertain significance (1 of 4 stars; one submission).

Conditions:
Ataxia-telangiectasia syndrome (AT). Also called: Cerebello-oculocutaneous telangiectasia; Immunodeficiency with ataxia telangiectasia; LOUIS-BAR SYNDROME; AT, COMPLEMENTATION GROUP C; ATAXIA-TELANGIECTASIA, COMPLEMENTATION GROUP A; ATAXIA-TELANGIECTASIA, FRESNO VARIANT. Identifiers: Orphanet 100, MedGen C0004135, MONDO:0008840, OMIM 208900.

Submission:

Labcorp Genetics (formerly Invitae), Labcorp
Classification: Uncertain significance for Ataxia-telangiectasia syndrome. Last evaluated: 2020-03-23. Review status: criteria provided, single submitter. Criteria: Invitae Variant Classification Sherloc (09022015). Collection method: clinical testing. Allele origin: germline.
Comment: In summary, the available evidence is currently insufficient to determine the role of this variant in disease. Therefore, it has been classified as a Variant of Uncertain Significance. Algorithms developed to predict the effect of missense changes on protein structure and function are either unavailable or do not agree on the potential impact of this missense change (SIFT: "Deleterious"; PolyPhen-2: "Not Available"; Align-GVGD: "Class C0"). This variant has not been reported in the literature in individuals with ATM-related conditions. This variant is not present in population databases (ExAC no frequency). This sequence change replaces leucine with phenylalanine at codon 1824 of the ATM protein (p.Leu1824Phe). The leucine residue is highly conserved and there is a small physicochemical difference between leucine and phenylalanine.

NM_000051.4(ATM):c.5469_5470delinsAT (p.Leu1824Phe)

Gene: ATM (ATM serine/threonine kinase; plus strand). Cytogenetic location: 11q22.3.
Variant type: Indel.
Coding change: c.5469_5470delinsAT on transcript NM_000051.4 (MANE Select); coding-DNA positions 5469 to 5470, TC replaced by AT.
Protein change: p.Leu1824Phe; replaces leucine 1824 with phenylalanine.
Molecular consequence: missense variant.
Genome position (GRCh38, 1-based): chr11:108,303,002-108,303,003, TC replaced by AT. VCF-style: chr11-108303002-TC-AT. GRCh37 (hg19) VCF-style: chr11-108173729-TC-AT.
Other names: c.5469_5470delinsAT, p.Leu1824Phe (NM_001351834.2); short protein forms L1824F.
Identifiers: ClinVar variation 936940 (VCV000936940.8), dbSNP rs2083508049, ClinGen allele CA1139662320.